The following is an entry in ClinVar:

ClinVar aggregate classification (germline): Uncertain significance (1 of 4 stars; one submission).

Conditions:
Familial infantile myasthenia (CMS6). Also called: MYASTHENIC SYNDROME, CONGENITAL, 6, PRESYNAPTIC; MYASTHENIC SYNDROME, PRESYNAPTIC, CONGENITAL, ASSOCIATED WITH EPISODIC APNEA; Congenital myasthenic syndrome type 6. Identifiers: Orphanet 590, MedGen C0393929, MONDO:0009689, OMIM 254210.

Allele frequency attached by ClinVar (database versions not stated): gnomAD exomes below 0.00001; ExAC 0.00001; gnomAD 0.00001; 1000 Genomes Project 30x 0.00016; 1000 Genomes Project 0.00020.
gnomAD v4.1: 3 of 1,613,946 alleles (0.00019%); highest among the groups gnomAD compares: African/African-American, 0.0013%; no homozygotes.

Submission:

Labcorp Genetics (formerly Invitae), Labcorp
Classification: Uncertain significance for Familial infantile myasthenia. Last evaluated: 2022-10-17. Review status: criteria provided, single submitter. Criteria: Invitae Variant Classification Sherloc (09022015). Collection method: clinical testing. Allele origin: germline.
Comment: This sequence change replaces glycine, which is neutral and non-polar, with serine, which is neutral and polar, at codon 437 of the CHAT protein (p.Gly437Ser). This variant is present in population databases (rs562560467, gnomAD 0.007%). This variant has not been reported in the literature in individuals affected with CHAT-related conditions. ClinVar contains an entry for this variant (Variation ID: 1018468). Advanced modeling of protein sequence and biophysical properties (such as structural, functional, and spatial information, amino acid conservation, physicochemical variation, residue mobility, and thermodynamic stability) performed at Invitae indicates that this missense variant is expected to disrupt CHAT protein function. In summary, the available evidence is currently insufficient to determine the role of this variant in disease. Therefore, it has been classified as a Variant of Uncertain Significance.

NM_020549.5(CHAT):c.1309G>A (p.Gly437Ser)

Gene: CHAT (choline O-acetyltransferase; plus strand). Cytogenetic location: 10q11.23.
Variant type: single nucleotide variant.
Coding change: c.1309G>A on transcript NM_020549.5 (MANE Select); coding-DNA position 1309, G replaced by A.
Protein change: p.Gly437Ser; replaces glycine 437 with serine.
Molecular consequence: missense variant.
Genome position (GRCh38, 1-based): chr10:49,648,534, G>A. VCF-style: chr10-49648534-G-A. GRCh37 (hg19) VCF-style: chr10-50856580-G-A.
Other names: c.955G>A, p.Gly319Ser (NM_001142929.2, NM_001142934.2, NM_020984.4 and 2 more transcripts); c.1063G>A, p.Gly355Ser (NM_001142933.2); short protein forms G319S, G355S, G437S.
Identifiers: ClinVar variation 1018468 (VCV001018468.6), dbSNP rs562560467, ClinGen allele CA5497449.